The following is an entry in ClinVar:

NM_033087.4(ALG2):c.30del (p.Ser11fs)

Gene: ALG2 (ALG2 alpha-1,3/1,6-mannosyltransferase; minus strand). Cytogenetic location: 9q22.33.
Variant type: Deletion.
Coding change: c.30del on transcript NM_033087.4 (MANE Select); coding-DNA position 30, one base deleted (C; older notation c.30delC).
Protein change: p.Ser11fs; shifts the reading frame from serine 11.
Molecular consequence: frameshift variant. On other transcripts: non-coding transcript variant (1).
Genome position (GRCh38, 1-based): chr9:99,221,865, G deleted on the plus strand (C on the coding strand, the reverse complement: ALG2 is on the minus strand). VCF-style (leftmost placement, unchanged base first): chr9-99221864-AG-A. GRCh37 (hg19) VCF-style: chr9-101984146-AG-A.
Other names: short protein forms S11fs.
Identifiers: ClinVar variation 1016801 (VCV001016801.6), dbSNP rs763575022, ClinGen allele CA5156509.

ClinVar aggregate classification (germline): Uncertain significance (1 of 4 stars; one submission).

Conditions:
Congenital myasthenic syndrome 14. Also called: Myasthenic syndrome, congenital, 14, with tubular aggregates. Identifiers: Orphanet 353327, Orphanet 590, MedGen C4015597, MONDO:0014543, OMIM 616228.
Congenital disorder of glycosylation, type Ii. Also called: ALG2-CDG; CDG Ii; ALG2-congenital disorder of glycosylation. Identifiers: Orphanet 79326, MedGen C1842836, MONDO:0011933, OMIM 607906.

Allele frequency attached by ClinVar (database versions not stated): gnomAD exomes below 0.00001 and 0.00002; gnomAD 0.00001; TOPMed 0.00001; ExAC 0.00002.

Submission:

Labcorp Genetics (formerly Invitae), Labcorp
Classification: Uncertain significance for Congenital disorder of glycosylation, type Ii; Congenital myasthenic syndrome 14. Last evaluated: 2025-08-21. Review status: criteria provided, single submitter. Criteria: Invitae Variant Classification Sherloc (09022015). Collection method: clinical testing. Allele origin: germline.
Comment: This sequence change creates a premature translational stop signal (p.Ser11Argfs*37) in the ALG2 gene. It is expected to result in an absent or disrupted protein product. However, the current clinical and genetic evidence is not sufficient to establish whether loss-of-function variants in ALG2 cause disease. This variant is present in population databases (rs763575022, gnomAD 0.02%). This variant has not been reported in the literature in individuals affected with ALG2-related conditions. ClinVar contains an entry for this variant (Variation ID: 1016801). In summary, the available evidence is currently insufficient to determine the role of this variant in disease. Therefore, it has been classified as a Variant of Uncertain Significance.